The following is an entry in ClinVar:

NM_021922.3(FANCE):c.707A>G (p.His236Arg)

Gene: FANCE (FA complementation group E; plus strand). Cytogenetic location: 6p21.31.
Variant type: single nucleotide variant.
Coding change: c.707A>G on transcript NM_021922.3 (MANE Select); coding-DNA position 707, A replaced by G.
Protein change: p.His236Arg; replaces histidine 236 with arginine.
Molecular consequence: missense variant.
Genome position (GRCh38, 1-based): chr6:35,456,205, A>G. VCF-style: chr6-35456205-A-G. GRCh37 (hg19) VCF-style: chr6-35423982-A-G.
Other names: c.707A>G, p.His236Arg (NM_001410876.1); short protein forms H236R.
Identifiers: ClinVar variation 2405192 (VCV002405192.3), dbSNP rs759413819, ClinGen allele CA3771467.

ClinVar aggregate classification (germline): Uncertain significance. Review status: criteria provided, multiple submitters, no conflicts (2 of 4 stars). 2 submissions from 2 submitters: Uncertain significance (2). Last evaluated 2024-11-27.

Conditions:
Inborn genetic diseases. Identifiers: MedGen C0950123, MeSH D030342.
Fanconi anemia complementation group E (FANCE). Also called: FANCE-Related Fanconi Anemia. Identifiers: Orphanet 84, MedGen C3160739, MONDO:0010953, OMIM 600901.

Allele frequency attached by ClinVar (database versions not stated): TOPMed below 0.00001; ExAC 0.00002; gnomAD 0.00002.
gnomAD v4.1: 14 of 1,614,114 alleles (0.00087%); highest among the groups gnomAD compares: Admixed American, 0.0017%; no homozygotes.

Submissions (2):

Labcorp Genetics (formerly Invitae), Labcorp
Classification: Uncertain significance for Fanconi anemia complementation group E. Last evaluated: 2024-11-27. Review status: criteria provided, single submitter. Criteria: Invitae Variant Classification Sherloc (09022015). Collection method: clinical testing. Allele origin: germline.
Comment: This sequence change replaces histidine, which is basic and polar, with arginine, which is basic and polar, at codon 236 of the FANCE protein (p.His236Arg). The frequency data for this variant in the population databases is considered unreliable, as metrics indicate poor data quality at this position in the gnomAD database. This variant has not been reported in the literature in individuals affected with FANCE-related conditions. ClinVar contains an entry for this variant (Variation ID: 2405192). Invitae Evidence Modeling of protein sequence and biophysical properties (such as structural, functional, and spatial information, amino acid conservation, physicochemical variation, residue mobility, and thermodynamic stability) indicates that this missense variant is not expected to disrupt FANCE protein function with a negative predictive value of 80%. Algorithms developed to predict the effect of sequence changes on RNA splicing suggest that this variant may create or strengthen a splice site. In summary, the available evidence is currently insufficient to determine the role of this variant in disease. Therefore, it has been classified as a Variant of Uncertain Significance.

Ambry Genetics
Classification: Uncertain significance for Inborn genetic diseases. Last evaluated: 2021-10-29. Review status: criteria provided, single submitter. Criteria: Ambry Variant Classification Scheme 2023. Collection method: clinical testing. Allele origin: germline.